The following is an entry in ClinVar:

ClinVar aggregate classification (germline): Uncertain significance (1 of 4 stars; one submission).

Conditions:
Familial thoracic aortic aneurysm and aortic dissection (TAAD). Also called: Thoracic aortic aneurysms and dissections. Identifiers: Orphanet 91387, MedGen C4707243, MONDO:0019625.

Submission:

Color Diagnostics, LLC DBA Color Health
Classification: Uncertain significance for Familial thoracic aortic aneurysm and aortic dissection. Last evaluated: 2024-03-07. Review status: criteria provided, single submitter. Criteria: ACMG Guidelines, 2015. Collection method: clinical testing. Allele origin: germline.
Comment: This missense variant replaces glutamic acid with glycine at codon 1507 of the MYH11 protein. Computational prediction suggests that this variant may have deleterious impact on protein structure and function (internally defined REVEL score threshold >= 0.7, PMID: 27666373). To our knowledge, functional studies have not been reported for this variant. This variant has not been reported in individuals affected with cardiovascular disorders in the literature. This variant has not been identified in the general population by the Genome Aggregation Database (gnomAD). The available evidence is insufficient to determine the role of this variant in disease conclusively. Therefore, this variant is classified as a Variant of Uncertain Significance.

NM_002474.3(MYH11):c.4499A>G (p.Glu1500Gly)

Genes: MYH11 (myosin heavy chain 11; minus strand), NDE1 (nudE neurodevelopment protein 1; plus strand). Cytogenetic location: 16p13.11.
Variant type: single nucleotide variant.
Coding change: c.4499A>G on transcript NM_002474.3 (MANE Select); coding-DNA position 4499, A replaced by G.
Protein change: p.Glu1500Gly; replaces glutamic acid 1500 with glycine.
Molecular consequence: missense variant. On other transcripts: intron variant (2).
Genome position (GRCh38, 1-based): chr16:15,721,501, T>C on the plus strand (A>G on the coding strand, the complement: MYH11 is on the minus strand). VCF-style: chr16-15721501-T-C. GRCh37 (hg19) VCF-style: chr16-15815358-T-C.
Other names: c.4520A>G, p.Glu1507Gly (NM_001040113.2, NM_001040114.2); c.4499A>G, p.Glu1500Gly (NM_022844.3); c.948-2690T>C (NM_001143979.2, NM_017668.3); short protein forms E1500G, E1507G.
Identifiers: ClinVar variation 2773807 (VCV002773807.2), dbSNP rs2506126562, ClinGen allele CA394855123.